The following is an entry in ClinVar:

ClinVar aggregate classification (germline): Uncertain significance (1 of 4 stars; one submission).

Conditions:
Breast-ovarian cancer, familial, susceptibility to, 4. Identifiers: Orphanet 145, MedGen C3280345, MONDO:0013669, OMIM 614291.

Submission:

Labcorp Genetics (formerly Invitae), Labcorp
Classification: Uncertain significance for Breast-ovarian cancer, familial, susceptibility to, 4. Last evaluated: 2022-11-18. Review status: criteria provided, single submitter. Criteria: Invitae Variant Classification Sherloc (09022015). Collection method: clinical testing. Allele origin: germline.
Comment: In summary, the available evidence is currently insufficient to determine the role of this variant in disease. Therefore, it has been classified as a Variant of Uncertain Significance. Advanced modeling of protein sequence and biophysical properties (such as structural, functional, and spatial information, amino acid conservation, physicochemical variation, residue mobility, and thermodynamic stability) performed at Invitae indicates that this missense variant is not expected to disrupt RAD51D protein function. This variant has not been reported in the literature in individuals affected with RAD51D-related conditions. This variant is not present in population databases (gnomAD no frequency). This sequence change replaces methionine, which is neutral and non-polar, with leucine, which is neutral and non-polar, at codon 243 of the RAD51D protein (p.Met243Leu).

NM_002878.4(RAD51D):c.727A>C (p.Met243Leu)

Genes: RAD51L3-RFFL (RAD51L3-RFFL readthrough; minus strand), RAD51D (RAD51 paralog D; minus strand). Cytogenetic location: 17q12.
Variant type: single nucleotide variant.
Coding change: c.727A>C on transcript NM_002878.4 (MANE Select); coding-DNA position 727, A replaced by C.
Protein change: p.Met243Leu; replaces methionine 243 with leucine.
Molecular consequence: missense variant. On other transcripts: non-coding transcript variant (3).
Genome position (GRCh38, 1-based): chr17:35,103,265, T>G on the plus strand (A>C on the coding strand, the complement: RAD51D is on the minus strand). VCF-style: chr17-35103265-T-G. GRCh37 (hg19) VCF-style: chr17-33430284-T-G.
Other names: c.787A>C, p.Met263Leu (NM_001142571.2); c.391A>C, p.Met131Leu (NM_133629.3); short protein forms M243L, M131L, M263L.
Identifiers: ClinVar variation 2815149 (VCV002815149.3), dbSNP rs1381391199, ClinGen allele CA399087502.